The following is an entry in ClinVar:

ClinVar aggregate classification (germline): Pathogenic (1 of 4 stars; one submission).

Conditions:
Eichsfeld type congenital muscular dystrophy (CMYO3). Also called: MYOPATHY, SEPN1-RELATED; Rigid spine muscular dystrophy 1; SELENON-related myopathy; Congenital myopathy 3 with rigid spine. Identifiers: MedGen C0410180, MONDO:0100100, OMIM 602771.

Submission:

Labcorp Genetics (formerly Invitae), Labcorp
Classification: Pathogenic for Eichsfeld type congenital muscular dystrophy. Last evaluated: 2019-05-10. Review status: criteria provided, single submitter. Criteria: Invitae Variant Classification Sherloc (09022015). Collection method: clinical testing. Allele origin: germline.
Comment: This sequence change is an Alu-mediated insertion in exon 4 of the SELENON mRNA (c.487_488insAlu), causing a frameshift at codon 163 (p.Gln163fs). The exact size and sequence of the insertion cannot be determined by the current assay. However, the insertion is expected to result in an absent or disrupted protein product. Retrotransposon insertions including LINE1 (L1), Alu, and SVA (SINE-VNTR-Alu) have been reported to be disease-causing through disruption of either a coding region or splice site (PMID: 19763152, 20307669, 22406018). While this particular variant has not been reported in the literature, loss of function variants in SELENON are known to be pathogenic (PMID: 21670436, 12192640). For these reasons, this variant has been classified as Pathogenic.

Literature cited by the submitters: PubMed 21670436; PubMed 12192640; PubMed 20307669; PubMed 22406018; PubMed 19763152.

NM_020451.2:c.487_488insAlu

Gene: SELENON (selenoprotein N; plus strand). Cytogenetic location: 1p36.11.
Variant type: Insertion.
Identifiers: ClinVar variation 870306 (VCV000870306.1).